The following is an entry in ClinVar:

NM_005591.4(MRE11):c.460G>A (p.Gly154Arg)

Gene: MRE11 (MRE11 double strand break repair nuclease; minus strand). Cytogenetic location: 11q21.
Variant type: single nucleotide variant.
Coding change: c.460G>A on transcript NM_005591.4 (MANE Select); coding-DNA position 460, G replaced by A.
Protein change: p.Gly154Arg; replaces glycine 154 with arginine.
Molecular consequence: missense variant.
Genome position (GRCh38, 1-based): chr11:94,478,819, C>T on the plus strand (G>A on the coding strand, the complement: MRE11 is on the minus strand). VCF-style: chr11-94478819-C-T. GRCh37 (hg19) VCF-style: chr11-94211985-C-T.
Other names: c.460G>A, p.Gly154Arg (NM_001330347.2, NM_005590.4); short protein forms G154R.
Identifiers: ClinVar variation 1681627 (VCV001681627.8), dbSNP rs2135085730, ClinGen allele CA382377576.

ClinVar aggregate classification (germline): Uncertain significance (1 of 4 stars; one submission).

Conditions:
Ataxia-telangiectasia-like disorder (ATLD). Identifiers: MedGen C1858391, MONDO:0011457.

Submission:

Labcorp Genetics (formerly Invitae), Labcorp
Classification: Uncertain significance for Ataxia-telangiectasia-like disorder. Last evaluated: 2021-02-23. Review status: criteria provided, single submitter. Criteria: Invitae Variant Classification Sherloc (09022015). Collection method: clinical testing. Allele origin: germline.
Comment: In summary, the available evidence is currently insufficient to determine the role of this variant in disease. Therefore, it has been classified as a Variant of Uncertain Significance. Algorithms developed to predict the effect of sequence changes on RNA splicing suggest that this variant may create or strengthen a splice site, but this prediction has not been confirmed by published transcriptional studies. Algorithms developed to predict the effect of missense changes on protein structure and function (SIFT, PolyPhen-2, Align-GVGD) all suggest that this variant is likely to be disruptive, but these predictions have not been confirmed by published functional studies and their clinical significance is uncertain. This variant has not been reported in the literature in individuals with MRE11-related conditions. This variant is not present in population databases (ExAC no frequency). This sequence change replaces glycine with arginine at codon 154 of the MRE11 protein (p.Gly154Arg). The glycine residue is highly conserved and there is a moderate physicochemical difference between glycine and arginine.